The following is an entry in ClinVar:

NM_002210.5(ITGAV):c.*2T>C

Genes: FAM171B-AS1 (FAM171B and ITGAV antisense RNA 1; minus strand), ITGAV (integrin subunit alpha V; plus strand). Cytogenetic location: 2q32.1.
Variant type: single nucleotide variant.
Coding change: c.*2T>C on transcript NM_002210.5 (MANE Select); 2 bases downstream of the stop codon, T replaced by C.
Molecular consequence: 3 prime UTR variant.
Genome position (GRCh38, 1-based): chr2:186,677,294, T>C. VCF-style: chr2-186677294-T-C. GRCh37 (hg19) VCF-style: chr2-187542021-T-C.
Other names: c.*2T>C (NM_001144999.3, NM_001145000.3).
Identifiers: ClinVar variation 3037004 (VCV003037004.2), dbSNP rs199754402, ClinGen allele CA2019458.

ClinVar aggregate classification (germline): Likely benign (0 of 4 stars; one submission).

Conditions:
ITGAV-related disorder. Also called: ITGAV-related condition.

Allele frequency attached by ClinVar (database versions not stated): gnomAD 0.00001; TOPMed 0.00001; ExAC 0.00002; gnomAD exomes 0.00002; ESP Exome Variant Server 0.00008.

Submission:

PreventionGenetics, part of Exact Sciences
Classification: Likely benign for ITGAV-related condition. Last evaluated: 2021-12-30. Review status: no assertion criteria provided. Collection method: clinical testing. Allele origin: germline.
Comment: This variant is classified as likely benign based on ACMG/AMP sequence variant interpretation guidelines (Richards et al. 2015 PMID: 25741868, with internal and published modifications).